The following is an entry in ClinVar:

NM_001171.6(ABCC6):c.2437G>A (p.Ala813Thr)

Gene: ABCC6 (ATP binding cassette subfamily C member 6; minus strand). Cytogenetic location: 16p13.11.
Variant type: single nucleotide variant.
Coding change: c.2437G>A on transcript NM_001171.6 (MANE Select); coding-DNA position 2437, G replaced by A.
Protein change: p.Ala813Thr; replaces alanine 813 with threonine.
Molecular consequence: missense variant.
Genome position (GRCh38, 1-based): chr16:16,177,605, C>T on the plus strand (G>A on the coding strand, the complement: ABCC6 is on the minus strand). VCF-style: chr16-16177605-C-T. GRCh37 (hg19) VCF-style: chr16-16271462-C-T.
Other names: c.2437G>A (NM_001171.5); c.2095G>A, p.Ala699Thr (NM_001351800.1); short protein forms A813T, A699T.
Identifiers: ClinVar variation 1436749 (VCV001436749.8), dbSNP rs756766310, ClinGen allele CA7925911.

ClinVar aggregate classification (germline): Conflicting classifications of pathogenicity. Review status: criteria provided, conflicting classifications (1 of 4 stars). 3 submissions from 3 submitters: Uncertain significance (2); Likely benign (1). Last evaluated 2026-08-07.

Conditions:
ABCC6-related disorder. Also called: ABCC6-related condition.

Allele frequency attached by ClinVar (database versions not stated): gnomAD exomes 0.00003; ExAC 0.00004; gnomAD 0.00006; TOPMed 0.00007.
gnomAD v4.1: 54 of 1,614,062 alleles (0.0033%); highest among the groups gnomAD compares: Middle Eastern, 0.033%; no homozygotes.

Submissions (3):

PreventionGenetics, part of Exact Sciences
Classification: Uncertain significance for ABCC6-related condition. Last evaluated: 2026-08-07. Review status: criteria provided, single submitter. Criteria: ACMG Guidelines, 2015. Collection method: clinical testing. Allele origin: germline.
Comment: The ABCC6 c.2437G>A variant is predicted to result in the amino acid substitution p.Ala813Thr. To our knowledge, this variant has not been reported in the literature. This variant is present in 0.011% of alleles in individuals of Latino descent in gnomAD. At this time, the clinical significance of this variant is uncertain due to the absence of conclusive functional and genetic evidence.

Blueprint Genetics
Classification: Likely benign. Last evaluated: 2024-09-11. Review status: criteria provided, single submitter. Criteria: ACMG Guidelines, 2015. Collection method: clinical testing. Allele origin: germline.

Labcorp Genetics (formerly Invitae), Labcorp
Classification: Uncertain significance. Last evaluated: 2022-10-04. Review status: criteria provided, single submitter. Criteria: Invitae Variant Classification Sherloc (09022015). Collection method: clinical testing. Allele origin: germline.
Comment: This sequence change replaces alanine, which is neutral and non-polar, with threonine, which is neutral and polar, at codon 813 of the ABCC6 protein (p.Ala813Thr). This variant is present in population databases (rs756766310, gnomAD 0.005%). This variant has not been reported in the literature in individuals affected with ABCC6-related conditions. ClinVar contains an entry for this variant (Variation ID: 1436749). Advanced modeling of protein sequence and biophysical properties (such as structural, functional, and spatial information, amino acid conservation, physicochemical variation, residue mobility, and thermodynamic stability) performed at Invitae indicates that this missense variant is not expected to disrupt ABCC6 protein function. In summary, the available evidence is currently insufficient to determine the role of this variant in disease. Therefore, it has been classified as a Variant of Uncertain Significance.